The following is an entry in ClinVar:

NM_015378.4(VPS13D):c.8265T>C (p.Asp2755=)

Gene: VPS13D (vacuolar protein sorting 13 homolog D; plus strand). Cytogenetic location: 1p36.22.
Variant type: single nucleotide variant.
Coding change: c.8265T>C on transcript NM_015378.4 (MANE Select); coding-DNA position 8265, T replaced by C.
Protein change: p.Asp2755=; no amino-acid change (aspartic acid 2755 retained).
Molecular consequence: synonymous variant.
Genome position (GRCh38, 1-based): chr1:12,329,896, T>C. VCF-style: chr1-12329896-T-C. GRCh37 (hg19) VCF-style: chr1-12389953-T-C.
Other names: p.Asp2755=; c.8265T>C, p.Asp2755= (NM_018156.4).
Identifiers: ClinVar variation 1243317 (VCV001243317.14), dbSNP rs79566132, ClinGen allele CA603070.

ClinVar aggregate classification (germline): Benign. Review status: criteria provided, multiple submitters, no conflicts (2 of 4 stars). 5 submissions from 5 submitters: Benign (4). 1 of the submissions does not count toward it. Last evaluated 2026-02-01.

Conditions:
VPS13D-related disorder. Also called: VPS13D-related condition.

Allele frequency attached by ClinVar (database versions not stated): gnomAD exomes 0.01668 and 0.01626; ExAC 0.01760; 1000 Genomes Project 30x 0.02280; gnomAD 0.02859 and 0.03028; 1000 Genomes Project 0.02216; TOPMed 0.02960; ESP Exome Variant Server 0.03475.
gnomAD v4.1: 28,219 of 1,613,724 alleles (1.7%); highest among the groups gnomAD compares: African/African-American, 6.3%; 365 homozygotes.

Submissions (5):

Labcorp Genetics (formerly Invitae), Labcorp
Classification: Benign. Last evaluated: 2026-02-01. Review status: criteria provided, single submitter. Criteria: Invitae Variant Classification Sherloc (09022015). Collection method: clinical testing. Allele origin: germline.

Mayo Clinic Laboratories, Mayo Clinic
Classification: Benign. Last evaluated: 2022-03-23. Review status: criteria provided, single submitter. Criteria: ACMG Guidelines, 2015. Collection method: clinical testing. Allele origin: germline. Observed: 75 variant alleles.

GeneDx
Classification: Benign. Last evaluated: 2021-05-05. Review status: criteria provided, single submitter. Criteria: GeneDx Variant Classification Process June 2021. Collection method: clinical testing. Allele origin: germline. Affected: yes.

Breakthrough Genomics
Classification: Benign. Review status: criteria provided, single submitter. Criteria: ACMG Guidelines, 2015. Collection method: not provided. Allele origin: germline. Inheritance: Autosomal recessive inheritance. Affected: yes.

PreventionGenetics, part of Exact Sciences
Classification: Benign for VPS13D-related condition. Last evaluated: 2019-06-04. Review status: no assertion criteria provided. Collection method: clinical testing. Allele origin: germline. Not counted in ClinVar's aggregate classification.
Comment: This variant is classified as benign based on ACMG/AMP sequence variant interpretation guidelines (Richards et al. 2015 PMID: 25741868, with internal and published modifications).